The following is an entry in ClinVar:

NM_152443.3(RDH12):c.715C>T (p.Arg239Trp)

Genes: GPHN (gephyrin; plus strand), RDH12 (retinol dehydrogenase 12; plus strand), ZFYVE26 (zinc finger FYVE-type containing 26; minus strand). Cytogenetic location: 14q24.1.
Variant type: single nucleotide variant.
Coding change: c.715C>T on transcript NM_152443.3 (MANE Select); coding-DNA position 715, C replaced by T.
Protein change: p.Arg239Trp; replaces arginine 239 with tryptophan.
Molecular consequence: missense variant.
Genome position (GRCh38, 1-based): chr14:67,729,247, C>T. VCF-style: chr14-67729247-C-T. GRCh37 (hg19) VCF-style: chr14-68195964-C-T.
Other names: short protein forms R239W.
Identifiers: ClinVar variation 865997 (VCV000865997.9), dbSNP rs751589863, ClinGen allele CA7238802.

ClinVar aggregate classification (germline): Pathogenic. Review status: criteria provided, multiple submitters, no conflicts (2 of 4 stars). 2 submissions from 2 submitters: Pathogenic (2). Last evaluated 2024-01-02.

Conditions:
RDH12-related disorder. Also called: RDH12-related condition; RDH12-related disorders.
Leber congenital amaurosis 13 (LCA13). Identifiers: MedGen C2675186, MONDO:0012990, OMIM 612712.

Allele frequency attached by ClinVar (database versions not stated): ExAC 0.00001; TOPMed 0.00001.
gnomAD v4.1: 14 of 1,609,924 alleles (0.00087%); highest among the groups gnomAD compares: Non-Finnish European, 0.0011%; no homozygotes.

Submissions (2):

Labcorp Genetics (formerly Invitae), Labcorp
Classification: Pathogenic for Leber congenital amaurosis 13. Last evaluated: 2024-01-02. Review status: criteria provided, single submitter. Criteria: Invitae Variant Classification Sherloc (09022015). Collection method: clinical testing. Allele origin: germline.
Comment: This sequence change replaces arginine, which is basic and polar, with tryptophan, which is neutral and slightly polar, at codon 239 of the RDH12 protein (p.Arg239Trp). This variant is not present in population databases (gnomAD no frequency). This missense change has been observed in individuals with autosomal recessive RDH12-related conditions (PMID: 16269441, 22065924; Invitae). ClinVar contains an entry for this variant (Variation ID: 865997). Advanced modeling of protein sequence and biophysical properties (such as structural, functional, and spatial information, amino acid conservation, physicochemical variation, residue mobility, and thermodynamic stability) performed at Invitae indicates that this missense variant is expected to disrupt RDH12 protein function with a positive predictive value of 80%. Experimental studies have shown that this missense change affects RDH12 function (PMID: 16269441). This variant disrupts the p.Arg239 amino acid residue in RDH12. Other variant(s) that disrupt this residue have been determined to be pathogenic (PMID: 31456290, 32141364; Invitae). This suggests that this residue is clinically significant, and that variants that disrupt this residue are likely to be disease-causing. For these reasons, this variant has been classified as Pathogenic.

Blueprint Genetics
Classification: Pathogenic for RDH12-related disorders. Last evaluated: 2019-10-19. Review status: criteria provided, single submitter. Criteria: ACMG Guidelines, 2015. Collection method: clinical testing. Allele origin: germline. Affected: yes. Observed: 3 variant alleles.

Literature cited by the submitters: PubMed 16269441 (cited by Labcorp Genetics (formerly Invitae), Labcorp); PubMed 22065924 (cited by Labcorp Genetics (formerly Invitae), Labcorp); PubMed 31456290 (cited by Labcorp Genetics (formerly Invitae), Labcorp); PubMed 32141364 (cited by Labcorp Genetics (formerly Invitae), Labcorp).